The following is an entry in ClinVar:

NM_000155.4(GALT):c.221T>C (p.Leu74Pro)

Genes: GALT (galactose-1-phosphate uridylyltransferase; plus strand), LOC130001683 (ATAC-STARR-seq lymphoblastoid active region 28314; plus strand). Cytogenetic location: 9p13.3.
Variant type: single nucleotide variant.
Coding change: c.221T>C on transcript NM_000155.4 (MANE Select); coding-DNA position 221, T replaced by C.
Protein change: p.Leu74Pro; replaces leucine 74 with proline.
Molecular consequence: missense variant.
Genome position (GRCh38, 1-based): chr9:34,647,227, T>C. VCF-style: chr9-34647227-T-C. GRCh37 (hg19) VCF-style: chr9-34647224-T-C.
Other names: c.19T>C, p.Cys7Arg (NM_001258332.2); c.221T>C (NM_000155.2); short protein forms L74P, C7R.
Identifiers: ClinVar variation 3615 (VCV000003615.16), dbSNP rs111033663, ClinGen allele CA252846.

ClinVar aggregate classification (germline): Conflicting classifications of pathogenicity. Review status: criteria provided, conflicting classifications (1 of 4 stars). 8 submissions from 8 submitters: Pathogenic (4); Likely pathogenic (2); Uncertain significance (1). 1 of the submissions does not count toward it. Last evaluated 2025-10-27.

Conditions:
Galactosemia. Also called: Galactose intolerance. Identifiers: Orphanet 352, MedGen C0016952, MONDO:0018116, HP:0004919. Disease mechanism: loss of function.
Deficiency of UDPglucose-hexose-1-phosphate uridylyltransferase. Also called: GALACTOSEMIA I; GALACTOSE-1-PHOSPHATE URIDYLYLTRANSFERASE DEFICIENCY; Transferase Deficiency Galactosemia; GALT deficiency; Galactosemia, classic. Identifiers: Orphanet 352, Orphanet 79239, MedGen C0268151, MONDO:0009258, OMIM 230400.

Submissions (8):

Natera, Inc.
Classification: Likely pathogenic for Galactosemia. Last evaluated: 2025-10-27. Review status: criteria provided, single submitter. Criteria: Natera Variant Classification Schema (03/2026). Collection method: clinical testing. Allele origin: germline.
Comment: The c.221T>C variant in GALT is a missense variant predicted to cause substitution of leucine to proline at amino acid 74. This variant is rare in the general population with a frequency below the threshold expected for the associated phenotype(s). This variant has been observed in one or more individuals affected with the associated recessive disease, as either homozygous or compound heterozygous with a second variant (PMID: 1610789). Functional studies show that this variant may disrupt protein function (PMID: 1610789). Computational prediction algorithms indicate this variant is likely to affect gene or protein function. Given the available evidence, this variant is classified as Likely Pathogenic.

Mayo Clinic Laboratories, Mayo Clinic
Classification: Pathogenic. Last evaluated: 2025-10-20. Review status: criteria provided, single submitter. Criteria: ACMG Guidelines, 2015. Collection method: clinical testing. Allele origin: germline. Observed: 4 variant alleles.
Comment: PP3_strong, PP4, PM2_moderate, PM3, PS3

Labcorp Genetics (formerly Invitae), Labcorp
Classification: Uncertain significance for Deficiency of UDPglucose-hexose-1-phosphate uridylyltransferase. Last evaluated: 2024-12-23. Review status: criteria provided, single submitter. Criteria: Invitae Variant Classification Sherloc (09022015). Collection method: clinical testing. Allele origin: germline.
Comment: This sequence change replaces leucine, which is neutral and non-polar, with proline, which is neutral and non-polar, at codon 74 of the GALT protein (p.Leu74Pro). This variant is not present in population databases (gnomAD no frequency). This missense change has been observed in individual(s) with classic galactosemia (PMID: 1610789, 7887416, 30718057). ClinVar contains an entry for this variant (Variation ID: 3615). Invitae Evidence Modeling of protein sequence and biophysical properties (such as structural, functional, and spatial information, amino acid conservation, physicochemical variation, residue mobility, and thermodynamic stability) indicates that this missense variant is expected to disrupt GALT protein function with a positive predictive value of 95%. Experimental studies have shown that this missense change affects GALT function (PMID: 1610789, 23583749). In summary, the available evidence is currently insufficient to determine the role of this variant in disease. Therefore, it has been classified as a Variant of Uncertain Significance.

GeneDx
Classification: Pathogenic. Last evaluated: 2024-06-20. Review status: criteria provided, single submitter. Criteria: GeneDx Variant Classification Process June 2021. Collection method: clinical testing. Allele origin: germline. Affected: yes.
Comment: Functional studies resulted in no GALT enzyme activity when L74P was over-expressed in COS cells and yeast cells (PMID: 1610789, 23583749); Not observed at significant frequency in large population cohorts (gnomAD); In silico analysis supports that this missense variant has a deleterious effect on protein structure/function; This variant is associated with the following publications: (PMID: 20008339, 1301925, 23583749, 1610789, 7887416, 23891399, 7671959, 10408771, 11261429)

Baylor Genetics
Classification: Pathogenic for Deficiency of UDPglucose-hexose-1-phosphate uridylyltransferase. Last evaluated: 2023-11-10. Review status: criteria provided, single submitter. Criteria: ACMG Guidelines, 2015. Collection method: clinical testing. Allele origin: unknown.

Women's Health and Genetics/Laboratory Corporation of America, LabCorp
Classification: Likely pathogenic for Deficiency of UDPglucose-hexose-1-phosphate uridylyltransferase. Last evaluated: 2020-09-24. Review status: criteria provided, single submitter. Criteria: LabCorp Variant Classification Summary - May 2015. Collection method: clinical testing. Allele origin: germline.
Comment: Variant summary: GALT c.221T>C (p.Leu74Pro) results in a non-conservative amino acid change located in the Galactose-1-phosphate uridyl transferase, N-terminal domain of the encoded protein sequence. Four of five in-silico tools predict a damaging effect of the variant on protein function. The variant was absent in 251302 control chromosomes. c.221T>C has been reported in the literature in at least one individual affected with Galactosemia (Reichardt_1992). At least one publication reports experimental evidence evaluating an impact on protein function. The most pronounced variant effect results in <10% of normal activity (Reichardt_1992, McCorvie_2013). One clinical diagnostic laboratory has submitted clinical-significance assessments for this variant to ClinVar after 2014 without evidence for independent evaluation and classified the variant as pathogenic. Based on the evidence outlined above, the variant was classified as likely pathogenic.

Eurofins Ntd Llc (ga)
Classification: Pathogenic. Last evaluated: 2017-03-30. Review status: criteria provided, single submitter. Criteria: EGL Classification Definitions 2015. Collection method: clinical testing. Allele origin: germline. Observed: 3 variant alleles, 3 heterozygotes.

OMIM
Classification: Pathogenic for GALACTOSEMIA I. Last evaluated: 1992-06-23. Review status: no assertion criteria provided. Collection method: literature only. Allele origin: germline. Not counted in ClinVar's aggregate classification.

Literature cited by the submitters: PubMed 1610789 (cited by 5 submitters); PubMed 30718057 (cited by 3 submitters); PubMed 7887416 (cited by Labcorp Genetics (formerly Invitae), Labcorp); PubMed 23583749 (cited by 3 submitters); PubMed 20008339 (cited by Eurofins Ntd Llc (ga)).